The following is an entry in ClinVar:

NM_005045.4(RELN):c.821G>A (p.Arg274His)

Gene: RELN (reelin; minus strand). Cytogenetic location: 7q22.1.
Variant type: single nucleotide variant.
Coding change: c.821G>A on transcript NM_005045.4 (MANE Select); coding-DNA position 821, G replaced by A.
Protein change: p.Arg274His; replaces arginine 274 with histidine.
Molecular consequence: missense variant.
Genome position (GRCh38, 1-based): chr7:103,700,991, C>T on the plus strand (G>A on the coding strand, the complement: RELN is on the minus strand). VCF-style: chr7-103700991-C-T. GRCh37 (hg19) VCF-style: chr7-103341438-C-T.
Other names: c.821G>A, p.Arg274His (NM_173054.3); short protein forms R274H.
Identifiers: ClinVar variation 1464394 (VCV001464394.8), dbSNP rs143781910, ClinGen allele CA163870882.

ClinVar aggregate classification (germline): Uncertain significance (1 of 4 stars; one submission).

Conditions:
Norman-Roberts syndrome (LIS2). Also called: Lissencephaly 2 (Norman-Roberts type). Identifiers: Orphanet 89844, MedGen C0796089, MONDO:0009760, OMIM 257320.
Familial temporal lobe epilepsy 7. Identifiers: Orphanet 101046, MedGen C4225327, MONDO:0014639, OMIM 616436.

Allele frequency attached by ClinVar (database versions not stated): gnomAD exomes below 0.00001 and 0.00002; TOPMed 0.00001; ESP Exome Variant Server 0.00008.
gnomAD v4.1: 7 of 1,605,970 alleles (0.00044%); highest among the groups gnomAD compares: Admixed American, 0.0033%; no homozygotes.

Submission:

Labcorp Genetics (formerly Invitae), Labcorp
Classification: Uncertain significance for Familial temporal lobe epilepsy 7; Norman-Roberts syndrome. Last evaluated: 2025-09-15. Review status: criteria provided, single submitter. Criteria: Invitae Variant Classification Sherloc (09022015). Collection method: clinical testing. Allele origin: germline.
Comment: This sequence change replaces arginine, which is basic and polar, with histidine, which is basic and polar, at codon 274 of the RELN protein (p.Arg274His). This variant is present in population databases (rs143781910, gnomAD 0.006%). This variant has not been reported in the literature in individuals affected with RELN-related conditions. ClinVar contains an entry for this variant (Variation ID: 1464394). Invitae Evidence Modeling of protein sequence and biophysical properties (such as structural, functional, and spatial information, amino acid conservation, physicochemical variation, residue mobility, and thermodynamic stability) indicates that this missense variant is not expected to disrupt RELN protein function with a negative predictive value of 80%. In summary, the available evidence is currently insufficient to determine the role of this variant in disease. Therefore, it has been classified as a Variant of Uncertain Significance.